The following is an entry in ClinVar:

ClinVar aggregate classification (germline): Uncertain significance (1 of 4 stars; one submission).

Submission:

GeneDx
Classification: Uncertain significance. Last evaluated: 2025-06-20. Review status: criteria provided, single submitter. Criteria: GeneDx Variant Classification Process June 2021. Collection method: clinical testing. Allele origin: germline. Affected: yes.
Comment: In silico analysis supports that this missense variant has a deleterious effect on protein structure/function; Has not been previously published as pathogenic or benign to our knowledge

NM_001042681.2(RERE):c.3638A>G (p.His1213Arg)

Gene: RERE (arginine-glutamic acid dipeptide repeats; minus strand). Cytogenetic location: 1p36.23.
Variant type: single nucleotide variant.
Coding change: c.3638A>G on transcript NM_001042681.2 (MANE Select); coding-DNA position 3638, A replaced by G.
Protein change: p.His1213Arg; replaces histidine 1213 with arginine.
Molecular consequence: missense variant.
Genome position (GRCh38, 1-based): chr1:8,358,897, T>C on the plus strand (A>G on the coding strand, the complement: RERE is on the minus strand). VCF-style: chr1-8358897-T-C. GRCh37 (hg19) VCF-style: chr1-8418957-T-C.
Other names: c.1976A>G, p.His659Arg (NM_001042682.2); c.3638A>G, p.His1213Arg (NM_012102.4); short protein forms H1213R, H659R.
Identifiers: ClinVar variation 4538963 (VCV004538963.1).